The following is an entry in ClinVar:

ClinVar aggregate classification (germline): Uncertain significance. Review status: criteria provided, multiple submitters, no conflicts (2 of 4 stars). 8 submissions from 8 submitters: Uncertain significance (7). 1 of the submissions does not count toward it. Last evaluated 2025-01-06.

Conditions:
Periventricular heterotopia with microcephaly, autosomal recessive (ARPHM). Also called: PERIVENTRICULAR NODULAR HETEROTOPIA 2; Periventricular heterotopia with microcephaly. Identifiers: Orphanet 2149, MedGen C1842563, MONDO:0011966, OMIM 608097.
Intellectual disability. Also called: intellectual disabilities; Intellectual functioning disability; Intellectual developmental disorder. Identifiers: MedGen C3714756, MeSH D008607, MONDO:0001071, HP:0001249.
Inborn genetic diseases. Identifiers: MedGen C0950123, MeSH D030342.

Allele frequency attached by ClinVar (database versions not stated): ESP Exome Variant Server 0.00031; gnomAD 0.00037 and 0.00041; gnomAD exomes 0.00007 and 0.00016; ExAC 0.00013; TOPMed 0.00045.
gnomAD v4.1: 169 of 1,613,618 alleles (0.01%); highest among the groups gnomAD compares: Middle Eastern, 0.26%; no homozygotes.

Submissions (8):

Labcorp Genetics (formerly Invitae), Labcorp
Classification: Uncertain significance. Last evaluated: 2025-01-06. Review status: criteria provided, single submitter. Criteria: Invitae Variant Classification Sherloc (09022015). Collection method: clinical testing. Allele origin: germline.
Comment: This sequence change replaces threonine, which is neutral and polar, with isoleucine, which is neutral and non-polar, at codon 1688 of the ARFGEF2 protein (p.Thr1688Ile). This variant is present in population databases (rs145439001, gnomAD 0.1%). This variant has not been reported in the literature in individuals affected with ARFGEF2-related conditions. ClinVar contains an entry for this variant (Variation ID: 338705). An algorithm developed to predict the effect of missense changes on protein structure and function outputs the following: PolyPhen-2: "Benign". The isoleucine amino acid residue is found in multiple mammalian species, which suggests that this missense change does not adversely affect protein function. In summary, the available evidence is currently insufficient to determine the role of this variant in disease. Therefore, it has been classified as a Variant of Uncertain Significance.

Ambry Genetics
Classification: Uncertain significance for Inborn genetic diseases. Last evaluated: 2022-08-18. Review status: criteria provided, single submitter. Criteria: Ambry Variant Classification Scheme 2023. Collection method: clinical testing. Allele origin: germline.
Comment: Occurs in the last base pair of the exon Based on insufficient or conflicting evidence, the clinical significance of this alteration remains unclear.

Mayo Clinic Laboratories, Mayo Clinic
Classification: Uncertain significance. Last evaluated: 2019-04-15. Review status: criteria provided, single submitter. Criteria: ACMG Guidelines, 2015. Collection method: clinical testing. Allele origin: germline. Observed: 1 variant allele.

Illumina Laboratory Services, Illumina
Classification: Uncertain significance for Periventricular heterotopia with microcephaly, autosomal recessive. Last evaluated: 2018-01-12. Review status: criteria provided, single submitter. Criteria: ICSL Variant Classification Criteria 13 December 2019. Collection method: clinical testing. Allele origin: germline.

Athena Diagnostics
Classification: Uncertain significance. Last evaluated: 2017-09-25. Review status: criteria provided, single submitter. Criteria: Athena Diagnostics Criteria. Collection method: clinical testing. Allele origin: germline.

Genetic Services Laboratory, University of Chicago
Classification: Uncertain significance. Last evaluated: 2016-06-24. Review status: criteria provided, single submitter. Criteria: ACMG Guidelines, 2015. Collection method: clinical testing. Allele origin: germline. Affected: no.

Breakthrough Genomics
Classification: Uncertain significance. Review status: criteria provided, single submitter. Criteria: ACMG Guidelines, 2015. Collection method: not provided. Allele origin: germline. Inheritance: Autosomal dominant inheritance. Affected: yes.

Centre de Biologie Pathologie Génétique, Centre Hospitalier Universitaire de Lille
Classification: Likely benign for Intellectual disability. Last evaluated: 2019-01-01. Review status: no assertion criteria provided. Collection method: clinical testing. Allele origin: inherited. Affected: yes. Not counted in ClinVar's aggregate classification.

NM_006420.3(ARFGEF2):c.5063C>T (p.Thr1688Ile)

Gene: ARFGEF2 (ARF guanine nucleotide exchange factor 2; plus strand). Cytogenetic location: 20q13.13.
Variant type: single nucleotide variant.
Coding change: c.5063C>T on transcript NM_006420.3 (MANE Select); coding-DNA position 5063, C replaced by T.
Protein change: p.Thr1688Ile; replaces threonine 1688 with isoleucine.
Molecular consequence: missense variant.
Genome position (GRCh38, 1-based): chr20:49,028,668, C>T. VCF-style: chr20-49028668-C-T. GRCh37 (hg19) VCF-style: chr20-47645205-C-T.
Other names: short protein forms T1688I.
Identifiers: ClinVar variation 338705 (VCV000338705.26), dbSNP rs145439001, ClinGen allele CA9899383.